The following is an entry in ClinVar:

NM_001197104.2(KMT2A):c.4778G>A (p.Arg1593His)

Gene: KMT2A (lysine methyltransferase 2A; plus strand). Cytogenetic location: 11q23.3.
Variant type: single nucleotide variant.
Coding change: c.4778G>A on transcript NM_001197104.2 (MANE Select); coding-DNA position 4778, G replaced by A.
Protein change: p.Arg1593His; replaces arginine 1593 with histidine.
Molecular consequence: missense variant.
Genome position (GRCh38, 1-based): chr11:118,491,277, G>A. VCF-style: chr11-118491277-G-A. GRCh37 (hg19) VCF-style: chr11-118361992-G-A.
Other names: c.4778G>A, p.Arg1593His (NM_005933.4); short protein forms R1593H.
Identifiers: ClinVar variation 1384086 (VCV001384086.6), dbSNP rs782281385, ClinGen allele CA229531399.

ClinVar aggregate classification (germline): Uncertain significance (1 of 4 stars; one submission).

Allele frequency attached by ClinVar (database versions not stated): TOPMed 0.00002.
gnomAD v4.1: 28 of 1,613,652 alleles (0.0017%); highest among the groups gnomAD compares: East Asian, 0.0022%; no homozygotes.

Submission:

Labcorp Genetics (formerly Invitae), Labcorp
Classification: Uncertain significance. Last evaluated: 2025-08-24. Review status: criteria provided, single submitter. Criteria: Invitae Variant Classification Sherloc (09022015). Collection method: clinical testing. Allele origin: germline.
Comment: This sequence change replaces arginine, which is basic and polar, with histidine, which is basic and polar, at codon 1593 of the KMT2A protein (p.Arg1593His). This variant is present in population databases (rs782281385, gnomAD 0.003%). This variant has not been reported in the literature in individuals affected with KMT2A-related conditions. ClinVar contains an entry for this variant (Variation ID: 1384086). Invitae Evidence Modeling of protein sequence and biophysical properties (such as structural, functional, and spatial information, amino acid conservation, physicochemical variation, residue mobility, and thermodynamic stability) indicates that this missense variant is not expected to disrupt KMT2A protein function with a negative predictive value of 95%. In summary, the available evidence is currently insufficient to determine the role of this variant in disease. Therefore, it has been classified as a Variant of Uncertain Significance.